The following is an entry in ClinVar:

ClinVar aggregate classification (germline): Uncertain significance (1 of 4 stars; one submission).

Submission:

Ambry Genetics
Classification: Uncertain significance. Last evaluated: 2025-11-10. Review status: criteria provided, single submitter. Criteria: Ambry Variant Classification Scheme 2023. Collection method: clinical testing. Allele origin: germline.
Comment: The p.L24F variant (also known as c.70C>T), located in coding exon 1 of the GALNT12 gene, results from a C to T substitution at nucleotide position 70. The leucine at codon 24 is replaced by phenylalanine, an amino acid with highly similar properties. This amino acid position is conserved. In addition, this alteration is predicted to be tolerated by in silico analysis. Based on the available evidence, the clinical significance of this variant remains unclear.

NM_024642.5(GALNT12):c.70C>T (p.Leu24Phe)

Genes: GALNT12 (polypeptide N-acetylgalactosaminyltransferase 12; plus strand), LOC130002222 (ATAC-STARR-seq lymphoblastoid silent region 20123; plus strand). Cytogenetic location: 9q22.33.
Variant type: single nucleotide variant.
Coding change: c.70C>T on transcript NM_024642.5 (MANE Select); coding-DNA position 70, C replaced by T.
Protein change: p.Leu24Phe; replaces leucine 24 with phenylalanine.
Molecular consequence: missense variant.
Genome position (GRCh38, 1-based): chr9:98,807,768, C>T. VCF-style: chr9-98807768-C-T. GRCh37 (hg19) VCF-style: chr9-101570050-C-T.
Other names: short protein forms L24F.
Identifiers: ClinVar variation 4670627 (VCV004670627.1).